The following is an entry in ClinVar:

ClinVar aggregate classification (germline): Pathogenic (1 of 4 stars; one submission).

Conditions:
Lamellar ichthyosis. Identifiers: Orphanet 313, MedGen C5848247, MONDO:0017778.

Submission:

Women's Health and Genetics/Laboratory Corporation of America, LabCorp
Classification: Pathogenic for Lamellar ichthyosis. Last evaluated: 2024-10-14. Review status: criteria provided, single submitter. Criteria: LabCorp Variant Classification Summary - May 2015. Collection method: clinical testing. Allele origin: germline.
Comment: Variant summary: ALOX12B c.1662dupT (p.Arg555X) results in a premature termination codon, predicted to cause a truncation of the encoded protein or absence of the protein due to nonsense mediated decay, which are commonly known mechanisms for disease. The variant was absent in 250898 control chromosomes (gnomAD). To our knowledge, no occurrence of c.1662dupT in individuals affected with Lamellar Ichthyosis and no experimental evidence demonstrating its impact on protein function have been reported. No submitters have cited clinical-significance assessments for this variant to ClinVar. Based on the evidence outlined above, the variant was classified as pathogenic.

NM_001139.3(ALOX12B):c.1662dup (p.Arg555Ter)

Gene: ALOX12B (arachidonate 12-lipoxygenase, 12R type; minus strand). Cytogenetic location: 17p13.1.
Variant type: Duplication.
Coding change: c.1662dup on transcript NM_001139.3 (MANE Select); coding-DNA position 1662, one base duplicated (T; older notation c.1662dupT).
Protein change: p.Arg555Ter; replaces arginine 555 with a stop codon.
Molecular consequence: nonsense.
Genome position (GRCh38, 1-based): chr17:8,073,750, A duplicated on the plus strand (T on the coding strand, the reverse complement: ALOX12B is on the minus strand). VCF-style (leftmost placement, unchanged base first): chr17-8073749-T-TA. GRCh37 (hg19) VCF-style: chr17-7977067-T-TA.
Other names: c.1662dupT (NM_001139.3); short protein forms R555*.
Identifiers: ClinVar variation 3384712 (VCV003384712.1).